The following is an entry in ClinVar:

NM_058216.3(RAD51C):c.293del (p.Gly98fs)

Gene: RAD51C (RAD51 paralog C; plus strand). Cytogenetic location: 17q22.
Variant type: Deletion.
Coding change: c.293del on transcript NM_058216.3 (MANE Select); coding-DNA position 293, one base deleted (G; older notation c.293delG).
Protein change: p.Gly98fs; shifts the reading frame from glycine 98.
Molecular consequence: frameshift variant. On other transcripts: non-coding transcript variant (2).
Genome position (GRCh38, 1-based): chr17:58,695,078, G deleted; the last of 3 consecutive G bases (chr17:58,695,076-58,695,078); deleting any one gives the same sequence. VCF-style (leftmost placement, unchanged base first): chr17-58695075-AG-A. GRCh37 (hg19) VCF-style: chr17-56772436-AG-A.
Other names: c.293del, p.Gly98fs (NM_002876.4); c.293delG, p.Gly98Alafs (NM_058217.1); short protein forms G98fs.
Identifiers: ClinVar variation 3147978 (VCV003147978.1), dbSNP rs2509275021, ClinGen allele CA2825002546.
Genomic context (GRCh38, chr17:58,695,075, plus strand): 5'-GTACATCTGAGTCACACAAGAAGTGTACAGCACTGGAACTTCTTGAGCAGGAGCATACCC[AG>A]GGCTTCATAATCACCTTCTGTTCAGCACTAGATGATATTCTTGGGGGTGGAGTGCCCTTA-3'

ClinVar aggregate classification (germline): Pathogenic (1 of 4 stars; one submission).

Conditions:
Breast-ovarian cancer, familial, susceptibility to, 3. Also called: RAD51C-Related Breast/Ovarian Cancer. Identifiers: Orphanet 145, MedGen C3150659, MONDO:0013253, OMIM 613399.

Submission:

Myriad Genetics, Inc.
Classification: Pathogenic for Breast-ovarian cancer, familial, susceptibility to, 3. Last evaluated: 2024-01-02. Review status: criteria provided, single submitter. Criteria: Myriad Autosomal Dominant, Autosomal Recessive and X-Linked Classification Criteria (2023). Collection method: clinical testing. Allele origin: unknown.
Comment: This variant is considered pathogenic. This variant creates a frameshift predicted to result in premature protein truncation.